The following is an entry in ClinVar:

NM_177438.3(DICER1):c.4520A>G (p.Asp1507Gly)

Gene: DICER1 (dicer 1, ribonuclease III; minus strand). Cytogenetic location: 14q32.13.
Variant type: single nucleotide variant.
Coding change: c.4520A>G on transcript NM_177438.3 (MANE Select); coding-DNA position 4520, A replaced by G.
Protein change: p.Asp1507Gly; replaces aspartic acid 1507 with glycine.
Molecular consequence: missense variant. On other transcripts: non-coding transcript variant (6).
Genome position (GRCh38, 1-based): chr14:95,096,400, T>C on the plus strand (A>G on the coding strand, the complement: DICER1 is on the minus strand). VCF-style: chr14-95096400-T-C. GRCh37 (hg19) VCF-style: chr14-95562737-T-C.
Other names: c.4520A>G, p.Asp1507Gly (NM_001195573.1, NM_001271282.3, NM_001291628.2 and 13 more transcripts); c.4238A>G, p.Asp1413Gly (NM_001395686.1); c.4115A>G, p.Asp1372Gly (NM_001395687.1, NM_001395688.1, NM_001395689.1 and 2 more transcripts); c.3953A>G, p.Asp1318Gly (NM_001395691.1); c.2837A>G, p.Asp946Gly (NM_001395697.1); short protein forms D1318G, D946G, D1372G, D1413G, D1507G.
Identifiers: ClinVar variation 2759362 (VCV002759362.3), dbSNP rs2542498513, ClinGen allele CA390867981.

ClinVar aggregate classification (germline): Uncertain significance (1 of 4 stars; one submission).

Conditions:
DICER1-related tumor predisposition. Also called: DICER1-related pleuropulmonary blastoma cancer predisposition syndrome; DICER1 syndrome. Identifiers: Orphanet 284343, MedGen C3839822, MONDO:0100216.

Submission:

Labcorp Genetics (formerly Invitae), Labcorp
Classification: Uncertain significance for DICER1-related tumor predisposition. Last evaluated: 2023-09-09. Review status: criteria provided, single submitter. Criteria: Invitae Variant Classification Sherloc (09022015). Collection method: clinical testing. Allele origin: germline.
Comment: An algorithm developed to predict the effect of missense changes on protein structure and function (PolyPhen-2) suggests that this variant is likely to be disruptive. This variant has not been reported in the literature in individuals affected with DICER1-related conditions. This variant is not present in population databases (gnomAD no frequency). This sequence change replaces aspartic acid, which is acidic and polar, with glycine, which is neutral and non-polar, at codon 1507 of the DICER1 protein (p.Asp1507Gly). In summary, the available evidence is currently insufficient to determine the role of this variant in disease. Therefore, it has been classified as a Variant of Uncertain Significance.